The following is an entry in ClinVar:

ClinVar aggregate classification (germline): Benign. Review status: criteria provided, multiple submitters, no conflicts (2 of 4 stars). 6 submissions from 6 submitters: Benign (6). Last evaluated 2026-02-01.

Conditions:
Microcephalic osteodysplastic primordial dwarfism type II (MOPD2). Also called: Microcephalic osteodysplastic primordial dwarfism with tooth abnormalities; OSTEODYSPLASTIC PRIMORDIAL DWARFISM, TYPE II; MOPD II. Identifiers: Orphanet 2637, MedGen C0432246, MONDO:0008872, OMIM 210720.

Allele frequency attached by ClinVar (database versions not stated): 1000 Genomes Project 30x 0.00578; 1000 Genomes Project 0.00579; ExAC 0.01373; gnomAD 0.01455 and 0.01494; TOPMed 0.01463; ESP Exome Variant Server 0.01822.
gnomAD v4.1: 33,143 of 1,614,180 alleles (2.1%); highest among the groups gnomAD compares: Non-Finnish European, 2.6%; 456 homozygotes.

Submissions (6):

Labcorp Genetics (formerly Invitae), Labcorp
Classification: Benign. Last evaluated: 2026-02-01. Review status: criteria provided, single submitter. Criteria: Invitae Variant Classification Sherloc (09022015). Collection method: clinical testing. Allele origin: germline.

ARUP Laboratories, Molecular Genetics and Genomics, ARUP Laboratories
Classification: Benign for Microcephalic osteodysplastic primordial dwarfism type II. Last evaluated: 2025-05-23. Review status: criteria provided, single submitter. Criteria: ARUP Molecular Germline Variant Investigation Process 2024. Collection method: clinical testing. Allele origin: germline.

Illumina Laboratory Services, Illumina
Classification: Benign for Microcephalic osteodysplastic primordial dwarfism type II. Last evaluated: 2018-01-12. Review status: criteria provided, single submitter. Criteria: ICSL Variant Classification Criteria 13 December 2019. Collection method: clinical testing. Allele origin: germline.
Comment: This variant was observed in the ICSL laboratory as part of a predisposition screen in an ostensibly healthy population. It had not been previously curated by ICSL or reported in the Human Gene Mutation Database (HGMD: prior to June 1st, 2018), and was therefore a candidate for classification through an automated scoring system. Utilizing variant allele frequency, disease prevalence and penetrance estimates, and inheritance mode, an automated score was calculated to assess if this variant is too frequent to cause the disease. Based on the score and internal cut-off values, a variant classified as benign is not then subjected to further curation. The score for this variant resulted in a classification of benign for this disease.

GeneDx
Classification: Benign. Last evaluated: 2014-05-23. Review status: criteria provided, single submitter. Criteria: GeneDx Variant Classification (06012015). Collection method: clinical testing. Allele origin: germline. Affected: yes.
Comment: This variant is considered likely benign or benign based on one or more of the following criteria: it is a conservative change, it occurs at a poorly conserved position in the protein, it is predicted to be benign by multiple in silico algorithms, and/or has population frequency not consistent with disease.

Genetic Services Laboratory, University of Chicago
Classification: Benign. Last evaluated: 2013-02-08. Review status: criteria provided, single submitter. Criteria: ACMG Guidelines, 2007. Collection method: clinical testing. Allele origin: germline. Inheritance: Autosomal recessive inheritance.

Breakthrough Genomics
Classification: Benign. Review status: criteria provided, single submitter. Criteria: ACMG Guidelines, 2015. Collection method: not provided. Allele origin: germline. Inheritance: Autosomal recessive inheritance. Affected: yes.

NM_006031.6(PCNT):c.7800G>A (p.Ala2600=)

Gene: PCNT (pericentrin; plus strand). Cytogenetic location: 21q22.3.
Variant type: single nucleotide variant.
Coding change: c.7800G>A on transcript NM_006031.6 (MANE Select); coding-DNA position 7800, G replaced by A.
Protein change: p.Ala2600=; no amino-acid change (alanine 2600 retained).
Molecular consequence: synonymous variant.
Genome position (GRCh38, 1-based): chr21:46,430,119, G>A. VCF-style: chr21-46430119-G-A. GRCh37 (hg19) VCF-style: chr21-47850033-G-A.
Other names: p.A2600A:GCG>GCA; c.7446G>A, p.Ala2482= (NM_001315529.2).
Identifiers: ClinVar variation 138606 (VCV000138606.27), dbSNP rs61735820, ClinGen allele CA173102.
Genomic context (GRCh38, chr21:46,430,119, plus strand): 5'-CTTGCAGAAGACGCTGAGTGAAGAGCAAGAGAAGGCAAACAGCGTGCAGAAGCTCCTGGC[G>A]GCGGAGCAGACTGTAGTGCGAGATTTGAAGTCCGACCTCTGTGAGAGCAGGCAGAAGAGC-3'
Protein context (NP_006022.3, residues 2590-2610): EKANSVQKLL[Ala2600=]AEQTVVRDLK